The following is an entry in ClinVar:

NM_000222.3(KIT):c.1017A>G (p.Ala339=)

Gene: KIT (KIT proto-oncogene, receptor tyrosine kinase; plus strand). Cytogenetic location: 4q12.
Variant type: single nucleotide variant.
Coding change: c.1017A>G on transcript NM_000222.3 (MANE Select); coding-DNA position 1017, A replaced by G.
Protein change: p.Ala339=; no amino-acid change (alanine 339 retained).
Molecular consequence: synonymous variant.
Genome position (GRCh38, 1-based): chr4:54,707,189, A>G. VCF-style: chr4-54707189-A-G. GRCh37 (hg19) VCF-style: chr4-55573355-A-G.
Other names: c.1017A>G, p.Ala339= (NM_001093772.2, NM_001385285.1, NM_001385286.1); c.1020A>G, p.Ala340= (NM_001385284.1, NM_001385288.1, NM_001385290.1 and 1 more transcripts).
Identifiers: ClinVar variation 528713 (VCV000528713.11), dbSNP rs1253593989, ClinGen allele CA439288616.

ClinVar aggregate classification (germline): Benign/Likely benign. Review status: criteria provided, multiple submitters, no conflicts (2 of 4 stars). 3 submissions from 3 submitters: Benign (1); Likely benign (2). Last evaluated 2026-06-03.

Conditions:
Gastrointestinal stromal tumor. Also called: Gastrointestinal stromal tumor, somatic; Gastrointestinal stroma tumor. Identifiers: Orphanet 44890, MedGen C0238198, MeSH D046152, MONDO:0011719, OMIM 606764, HP:0100723.
Hereditary cancer-predisposing syndrome. Also called: Hereditary neoplastic syndrome; Neoplastic Syndromes, Hereditary; Hereditary Cancer Syndrome; Tumor predisposition. Identifiers: Orphanet 140162, MedGen C0027672, MeSH D009386, MONDO:0015356.

Allele frequency attached by ClinVar (database versions not stated): gnomAD exomes below 0.00001.
gnomAD v4.1: 3 of 1,603,734 alleles (0.00019%); highest among the groups gnomAD compares: Non-Finnish European, 0.00026%; no homozygotes.

Submissions (3):

Myriad Genetics, Inc.
Classification: Benign for Gastrointestinal stromal tumor. Last evaluated: 2026-06-03. Review status: criteria provided, single submitter. Criteria: Myriad Autosomal Dominant, Autosomal Recessive and X-Linked Classification Criteria (2023). Collection method: clinical testing. Allele origin: unknown.
Comment: This variant is considered benign. This variant is a silent/synonymous amino acid change and it is not expected to impact splicing.

Labcorp Genetics (formerly Invitae), Labcorp
Classification: Likely benign for Gastrointestinal stromal tumor. Last evaluated: 2025-11-03. Review status: criteria provided, single submitter. Criteria: Invitae Variant Classification Sherloc (09022015). Collection method: clinical testing. Allele origin: germline.

Ambry Genetics
Classification: Likely benign for Hereditary cancer-predisposing syndrome. Last evaluated: 2024-05-31. Review status: criteria provided, single submitter. Criteria: Ambry Variant Classification Scheme 2023. Collection method: clinical testing. Allele origin: germline.